The following is an entry in ClinVar:

NM_001164665.2(KIAA1549):c.4217G>A (p.Arg1406His)

Gene: KIAA1549 (KIAA1549; minus strand). Cytogenetic location: 7q34.
Variant type: single nucleotide variant.
Coding change: c.4217G>A on transcript NM_001164665.2 (MANE Select); coding-DNA position 4217, G replaced by A.
Protein change: p.Arg1406His; replaces arginine 1406 with histidine.
Molecular consequence: missense variant.
Genome position (GRCh38, 1-based): chr7:138,881,400, C>T on the plus strand (G>A on the coding strand, the complement: KIAA1549 is on the minus strand). VCF-style: chr7-138881400-C-T. GRCh37 (hg19) VCF-style: chr7-138566146-C-T.
Other names: c.4217G>A, p.Arg1406His (NM_020910.3); short protein forms R1406H.
Identifiers: ClinVar variation 4748110 (VCV004748110.2).
Genomic context (GRCh38, chr7:138,881,400, plus strand): 5'-AGAAGCATGCTCTGCAACAAAGAATAATACAGAAAGCCCAATAATAACCTTCCTCTGTGA[C>T]GAACATTCTTGGAAGGGATCTTTGACTTGGGGCTTGGCACGTCTCCATTTTCCGAGGGCG-3'
Protein context (NP_001158137.1, residues 1396-1416): PKSKIPSKNV[Arg1406His]HRGRVSPSDA

ClinVar aggregate classification (germline): Conflicting classifications of pathogenicity. Review status: criteria provided, conflicting classifications (1 of 4 stars). 2 submissions from 2 submitters: Uncertain significance (1); Likely benign (1). Last evaluated 2025-10-14.

gnomAD v4.1: 34 of 1,613,246 alleles (0.0021%); highest among the groups gnomAD compares: East Asian, 0.04%; no homozygotes.

Submissions (2):

Labcorp Genetics (formerly Invitae), Labcorp
Classification: Uncertain significance. Last evaluated: 2025-10-14. Review status: criteria provided, single submitter. Criteria: Invitae Variant Classification Sherloc (09022015). Collection method: clinical testing. Allele origin: germline.
Comment: This sequence change replaces arginine, which is basic and polar, with histidine, which is basic and polar, at codon 1406 of the KIAA1549 protein (p.Arg1406His). This variant is present in population databases (rs375872081, gnomAD 0.1%). This variant has not been reported in the literature in individuals affected with KIAA1549-related conditions. An algorithm developed to predict the effect of missense changes on protein structure and function (PolyPhen-2) suggests that this variant is likely to be disruptive. In summary, the available evidence is currently insufficient to determine the role of this variant in disease. Therefore, it has been classified as a Variant of Uncertain Significance.

Blueprint Genetics
Classification: Likely benign. Last evaluated: 2021-03-31. Review status: criteria provided, single submitter. Criteria: ACMG Guidelines, 2015. Collection method: clinical testing. Allele origin: germline.